The following is an entry in ClinVar:

NM_017617.5(NOTCH1):c.7111A>C (p.Thr2371Pro)

Gene: NOTCH1 (notch receptor 1; minus strand). Cytogenetic location: 9q34.3.
Variant type: single nucleotide variant.
Coding change: c.7111A>C on transcript NM_017617.5 (MANE Select); coding-DNA position 7111, A replaced by C.
Protein change: p.Thr2371Pro; replaces threonine 2371 with proline.
Molecular consequence: missense variant.
Genome position (GRCh38, 1-based): chr9:136,496,628, T>G on the plus strand (A>C on the coding strand, the complement: NOTCH1 is on the minus strand). VCF-style: chr9-136496628-T-G. GRCh37 (hg19) VCF-style: chr9-139391080-T-G.
Other names: short protein forms T2371P.
Identifiers: ClinVar variation 3880501 (VCV003880501.1).

ClinVar aggregate classification (germline): Uncertain significance (1 of 4 stars; one submission).

Conditions:
Familial thoracic aortic aneurysm and aortic dissection (TAAD). Also called: Thoracic aortic aneurysms and dissections. Identifiers: Orphanet 91387, MedGen C4707243, MONDO:0019625.

gnomAD v4.1: 4 of 1,612,990 alleles (0.00025%); highest among the groups gnomAD compares: Non-Finnish European, 0.00034%; no homozygotes.

Submission:

Ambry Genetics
Classification: Uncertain significance for Familial thoracic aortic aneurysm and aortic dissection. Last evaluated: 2025-03-13. Review status: criteria provided, single submitter. Criteria: Ambry Variant Classification Scheme 2023. Collection method: clinical testing. Allele origin: germline.
Comment: The p.T2371P variant (also known as c.7111A>C), located in coding exon 34 of the NOTCH1 gene, results from an A to C substitution at nucleotide position 7111. The threonine at codon 2371 is replaced by proline, an amino acid with highly similar properties. This amino acid position is conserved. In addition, the in silico prediction for this alteration is inconclusive. Based on the available evidence, the clinical significance of this variant remains unclear.